The following is an entry in ClinVar:

ClinVar aggregate classification (germline): Likely benign (1 of 4 stars; one submission).

Conditions:
Hereditary breast ovarian cancer syndrome. Also called: Hereditary breast and ovarian cancer syndrome (HBOC); Hereditary breast and/or ovarian cancer syndrome; Hereditary breast and ovarian cancer syndrome; BRCA1- and BRCA2-Associated Hereditary Breast and Ovarian Cancer; Hereditary breast and ovarian cancer; Breast and ovarian cancer. Identifiers: Orphanet 145, MedGen C0677776, MeSH D061325, MONDO:0003582. Disease mechanism: loss of function.

Submission:

German Consortium for Hereditary Breast and Ovarian Cancer, University Hospital Cologne
Classification: Likely benign for Hereditary breast ovarian cancer syndrome. Last evaluated: 2024-12-10. Review status: criteria provided, single submitter. Criteria: ClinGen BRCA1 V1.1.0. Collection method: curation. Allele origin: germline.
Comment: According to the ClinGen ENIGMA BRCA1 v1.1.0 criteria we chose these criteria: PM2 (supporting pathogenic): absent from gnomAD v2/3/4, BP1 (strong benign): missense outside a (potentially) clinically important functional domain AND no splicing predicted (SpliceAI ≤0.1)

NM_007294.4(BRCA1):c.2947C>G (p.Leu983Val)

Gene: BRCA1 (BRCA1 DNA repair associated; minus strand). Cytogenetic location: 17q21.31.
Variant type: single nucleotide variant.
Coding change: c.2947C>G on transcript NM_007294.4 (MANE Select); coding-DNA position 2947, C replaced by G.
Protein change: p.Leu983Val; replaces leucine 983 with valine.
Molecular consequence: missense variant. On other transcripts: intron variant (137).
Genome position (GRCh38, 1-based): chr17:43,092,584, G>C on the plus strand (C>G on the coding strand, the complement: BRCA1 is on the minus strand). VCF-style: chr17-43092584-G-C. GRCh37 (hg19) VCF-style: chr17-41244601-G-C.
Other names: c.2734C>G, p.Leu912Val (NM_001407571.1, NM_001407853.1, NM_001407894.1 and 9 more transcripts); c.2947C>G, p.Leu983Val (NM_001407581.1, NM_001407582.1, NM_001407583.1 and 30 more transcripts); c.2944C>G, p.Leu982Val (NM_001407587.1, NM_001407590.1, NM_001407591.1 and 22 more transcripts); c.2938C>G, p.Leu980Val (NM_001407646.1, NM_001407647.1); c.2824C>G, p.Leu942Val (NM_001407648.1, NM_001407664.1, NM_001407665.1 and 19 more transcripts); c.2821C>G, p.Leu941Val (NM_001407649.1, NM_001407670.1, NM_001407671.1 and 11 more transcripts); c.2869C>G, p.Leu957Val (NM_001407653.1, NM_001407654.1, NM_001407655.1 and 4 more transcripts); c.2866C>G, p.Leu956Val (NM_001407659.1, NM_001407660.1, NM_001407661.1 and 1 more transcripts); and 41 more; short protein forms L915V, L935V, L855V, L856V, L872V, L913V, L941V, L983V.
Identifiers: ClinVar variation 3730837 (VCV003730837.1).